The following is an entry in ClinVar:

ClinVar aggregate classification (germline): Uncertain significance (1 of 4 stars; one submission).

Allele frequency attached by ClinVar (database versions not stated): gnomAD exomes below 0.00001.
gnomAD v4.1: 1 of 1,614,146 alleles (0.000062%); highest among the groups gnomAD compares: Non-Finnish European, 0.000085%; no homozygotes.

Submission:

Labcorp Genetics (formerly Invitae), Labcorp
Classification: Uncertain significance. Last evaluated: 2020-12-21. Review status: criteria provided, single submitter. Criteria: Invitae Variant Classification Sherloc (09022015). Collection method: clinical testing. Allele origin: germline.
Comment: In summary, the available evidence is currently insufficient to determine the role of this variant in disease. Therefore, it has been classified as a Variant of Uncertain Significance. Algorithms developed to predict the effect of missense changes on protein structure and function are either unavailable or do not agree on the potential impact of this missense change (SIFT: "Tolerated"; PolyPhen-2: "Probably Damaging"; Align-GVGD: "Class C0"). This variant has not been reported in the literature in individuals with HPS4-related conditions. This variant is not present in population databases (ExAC no frequency). This sequence change replaces leucine with phenylalanine at codon 646 of the HPS4 protein (p.Leu646Phe). The leucine residue is highly conserved and there is a small physicochemical difference between leucine and phenylalanine.

NM_022081.6(HPS4):c.1936C>T (p.Leu646Phe)

Gene: HPS4 (HPS4 biogenesis of lysosomal organelles complex 3 subunit 2; minus strand). Cytogenetic location: 22q12.1.
Variant type: single nucleotide variant.
Coding change: c.1936C>T on transcript NM_022081.6 (MANE Select); coding-DNA position 1936, C replaced by T.
Protein change: p.Leu646Phe; replaces leucine 646 with phenylalanine.
Molecular consequence: missense variant. On other transcripts: non-coding transcript variant (8), intron variant (2).
Genome position (GRCh38, 1-based): chr22:26,457,878, G>A on the plus strand (C>T on the coding strand, the complement: HPS4 is on the minus strand). VCF-style: chr22-26457878-G-A. GRCh37 (hg19) VCF-style: chr22-26853844-G-A.
Other names: c.1936C>T, p.Leu646Phe (NM_001349896.1, NM_001349898.2, NM_001349899.2 and 2 more transcripts); c.1990C>T, p.Leu664Phe (NM_001349900.2, NM_001349901.1); c.1921C>T, p.Leu641Phe (NM_152841.2); c.1714-4474C>T (NM_001349902.1, NM_001349903.2); short protein forms L646F, L664F, L641F.
Identifiers: ClinVar variation 1358172 (VCV001358172.8), dbSNP rs2146354632, ClinGen allele CA411023782.
Genomic context (GRCh38, chr22:26,457,878, plus strand): 5'-ACCGTGGAGAGTAGGTTGGGGAGCGACTCAGGGAGGCTCACCTGACAGTCATTTCATAAA[G>A]CGCGGGCAGCTGGGCAAATTCGCTATGCATCAGGCTGACGGCCTGGAGGAAGCGGCGATC-3'
Protein context (NP_071364.4, residues 636-656): MHSEFAQLPA[Leu646Phe]YEMTVRNAST